The following is an entry in ClinVar:

NM_144997.7(FLCN):c.871+32G>C

Gene: FLCN (folliculin; minus strand). Cytogenetic location: 17p11.2.
Variant type: single nucleotide variant.
Coding change: c.871+32G>C on transcript NM_144997.7 (MANE Select); 32 bases into the intron after coding-DNA position 871, G replaced by C.
Molecular consequence: intron variant. On other transcripts: missense variant (1).
Genome position (GRCh38, 1-based): chr17:17,221,505, C>G on the plus strand (G>C on the coding strand, the complement: FLCN is on the minus strand). VCF-style: chr17-17221505-C-G. GRCh37 (hg19) VCF-style: chr17-17124819-C-G.
Other names: c.903G>C, p.Trp301Cys (NM_144606.7); c.871+32G>C (NM_001353231.2, NM_001353230.2); c.925+32G>C (NM_001353229.2); short protein forms W301C.
Identifiers: ClinVar variation 5021831 (VCV005021831.1).

ClinVar aggregate classification (germline): Uncertain significance (1 of 4 stars; one submission).

Conditions:
Hereditary cancer-predisposing syndrome. Also called: Neoplastic Syndromes, Hereditary; Tumor predisposition; Hereditary neoplastic syndrome; Hereditary Cancer Syndrome. Identifiers: Orphanet 140162, MedGen C0027672, MeSH D009386, MONDO:0015356.

Submission:

Ambry Genetics
Classification: Uncertain significance for Hereditary cancer-predisposing syndrome. Last evaluated: 2026-07-02. Review status: criteria provided, single submitter. Criteria: Ambry Variant Classification Scheme 2023. Collection method: clinical testing. Allele origin: germline.
Comment: The p.W301C variant (also known as c.903G>C), located in coding exon 5 of the FLCN gene, results from a G to C substitution at nucleotide position 903. The tryptophan at codon 301 is replaced by cysteine, an amino acid with highly dissimilar properties. This amino acid position is conserved. In addition, this alteration is predicted to be tolerated by in silico analysis. Based on the available evidence, the clinical significance of this variant remains unclear.